The following is an entry in ClinVar:

ClinVar aggregate classification (germline): Uncertain significance (1 of 4 stars; one submission).

Allele frequency attached by ClinVar (database versions not stated): gnomAD exomes below 0.00001.
gnomAD v4.1: 1 of 1,612,570 alleles (0.000062%); highest among the groups gnomAD compares: Non-Finnish European, 0.000085%; no homozygotes.

Submission:

Labcorp Genetics (formerly Invitae), Labcorp
Classification: Uncertain significance. Last evaluated: 2023-09-29. Review status: criteria provided, single submitter. Criteria: Invitae Variant Classification Sherloc (09022015). Collection method: clinical testing. Allele origin: germline.
Comment: In summary, the available evidence is currently insufficient to determine the role of this variant in disease. Therefore, it has been classified as a Variant of Uncertain Significance. This variant has not been reported in the literature in individuals affected with MKL1-related conditions. This variant is not present in population databases (gnomAD no frequency). This sequence change replaces alanine, which is neutral and non-polar, with serine, which is neutral and polar, at codon 395 of the MKL1 protein (p.Ala395Ser). An algorithm developed to predict the effect of missense changes on protein structure and function (PolyPhen-2) suggests that this variant is likely to be tolerated.

NM_020831.6(MRTFA):c.1483G>T (p.Ala495Ser)

Gene: MRTFA (myocardin related transcription factor A; minus strand). Cytogenetic location: 22q13.1.
Variant type: single nucleotide variant.
Coding change: c.1483G>T on transcript NM_020831.6 (MANE Select); coding-DNA position 1483, G replaced by T.
Protein change: p.Ala495Ser; replaces alanine 495 with serine.
Molecular consequence: missense variant.
Genome position (GRCh38, 1-based): chr22:40,419,255, C>A on the plus strand (G>T on the coding strand, the complement: MRTFA is on the minus strand). VCF-style: chr22-40419255-C-A. GRCh37 (hg19) VCF-style: chr22-40815259-C-A.
Other names: c.1183G>T, p.Ala395Ser (NM_001282660.2); c.1333G>T, p.Ala445Ser (NM_001282661.3); c.1483G>T, p.Ala495Ser (NM_001282662.3); c.1288G>T, p.Ala430Ser (NM_001318139.2); short protein forms A430S, A495S, A395S, A445S.
Identifiers: ClinVar variation 2983205 (VCV002983205.3), dbSNP rs2052772373, ClinGen allele CA411662301.
Genomic context (GRCh38, chr22:40,419,255, plus strand): 5'-GCCGGGCCGCTGGGAAGGCTACCACCACCTCGCCAGCCTTGTGCAGGATAGAGGTGGCGG[C>A]AGGGGCCTTGGGGGCTCCTGGCACAGGGCTGATTTGGTCTTGATAGGCTCGAAGGCGCTC-3'
Protein context (NP_065882.2, residues 485-505): SPVPGAPKAP[Ala495Ser]ATSILHKAGE